The following is an entry in ClinVar:

ClinVar aggregate classification (germline): Uncertain significance. Review status: criteria provided, multiple submitters, no conflicts (2 of 4 stars). 2 submissions from 2 submitters: Uncertain significance (2). Last evaluated 2025-08-01.

Conditions:
Inborn genetic diseases. Identifiers: MedGen C0950123, MeSH D030342.
MHC class I deficiency. Identifiers: Orphanet 34592, MedGen C6024714, MONDO:0011476.

Allele frequency attached by ClinVar (database versions not stated): TOPMed 0.00002.
gnomAD v4.1: 11 of 1,601,300 alleles (0.00069%); highest among the groups gnomAD compares: Middle Eastern, 0.017%; no homozygotes.

Submissions (2):

Ambry Genetics
Classification: Uncertain significance for Inborn genetic diseases. Last evaluated: 2025-08-01. Review status: criteria provided, single submitter. Criteria: Ambry Variant Classification Scheme 2023. Collection method: clinical testing. Allele origin: germline.

Labcorp Genetics (formerly Invitae), Labcorp
Classification: Uncertain significance for MHC class I deficiency 1. Last evaluated: 2020-01-02. Review status: criteria provided, single submitter. Criteria: Invitae Variant Classification Sherloc (09022015). Collection method: clinical testing. Allele origin: germline.
Comment: This variant has not been reported in the literature in individuals with TAP1-related conditions. This variant is present in population databases (rs113585939, ExAC 0.003%). This sequence change replaces arginine with proline at codon 54 of the TAP1 protein (p.Arg54Pro). The arginine residue is weakly conserved and there is a moderate physicochemical difference between arginine and proline. Algorithms developed to predict the effect of missense changes on protein structure and function output the following: SIFT: "Tolerated"; PolyPhen-2: "Benign"; Align-GVGD: "Class C0". The proline amino acid residue is found in multiple mammalian species, suggesting that this missense change does not adversely affect protein function. These predictions have not been confirmed by published functional studies and their clinical significance is uncertain. In summary, the available evidence is currently insufficient to determine the role of this variant in disease. Therefore, it has been classified as a Variant of Uncertain Significance.

NM_000593.6(TAP1):c.-20G>C

Gene: TAP1 (transporter 1, ATP binding cassette subfamily B member; minus strand). Cytogenetic location: 6p21.32.
Variant type: single nucleotide variant.
Coding change: c.-20G>C on transcript NM_000593.6 (MANE Select); 20 bases upstream of the start codon, G replaced by C.
Molecular consequence: 5 prime UTR variant.
Genome position (GRCh38, 1-based): chr6:32,853,656, C>G on the plus strand (G>C on the coding strand, the complement: TAP1 is on the minus strand). VCF-style: chr6-32853656-C-G. GRCh37 (hg19) VCF-style: chr6-32821433-C-G.
Other names: short protein forms R54P.
Identifiers: ClinVar variation 840001 (VCV000840001.9), dbSNP rs113585939, ClinGen allele CA3747090.